The following is an entry in ClinVar:

NM_144666.3(DNHD1):c.13241del (p.Leu4413_Leu4414insTer)

Gene: DNHD1 (dynein heavy chain domain 1; plus strand). Cytogenetic location: 11p15.4.
Variant type: Deletion.
Coding change: c.13241del on transcript NM_144666.3 (MANE Select); coding-DNA position 13241, one base deleted (T; older notation c.13241delT).
Protein change: p.Leu4413_Leu4414insTer.
Molecular consequence: nonsense.
Genome position (GRCh38, 1-based): chr11:6,570,753, T deleted; the last of 2 consecutive T bases (chr11:6,570,752-6,570,753); deleting either gives the same sequence. VCF-style (leftmost placement, unchanged base first): chr11-6570751-CT-C. GRCh37 (hg19) VCF-style: chr11-6591981-CT-C.
Identifiers: ClinVar variation 5004950 (VCV005004950.2).

ClinVar aggregate classification (germline): Likely pathogenic (1 of 4 stars; one submission).

Conditions:
Spermatogenic failure 65 (SPGF65). Identifiers: MedGen C5562067, MONDO:0030531, OMIM 619712.

Submission:

Juno Genomics, Hangzhou Juno Genomics, Inc
Classification: Likely pathogenic for Spermatogenic failure 65. Review status: criteria provided, single submitter. Criteria: ACMG Guidelines, 2015. Collection method: clinical testing. Allele origin: germline.
Comment: Null variant in a gene where loss of function (LOF) is a known mechanism of disease.;Absent from controls (or at extremely low frequency if recessive) in Genome Aggregation Database.